The following is an entry in ClinVar:

NM_133433.4(NIPBL):c.2246A>G (p.Gln749Arg)

Gene: NIPBL (NIPBL cohesin loading factor; plus strand). Cytogenetic location: 5p13.2.
Variant type: single nucleotide variant.
Coding change: c.2246A>G on transcript NM_133433.4 (MANE Select); coding-DNA position 2246, A replaced by G.
Protein change: p.Gln749Arg; replaces glutamine 749 with arginine.
Molecular consequence: missense variant.
Genome position (GRCh38, 1-based): chr5:36,985,426, A>G. VCF-style: chr5-36985426-A-G. GRCh37 (hg19) VCF-style: chr5-36985528-A-G.
Other names: c.2246A>G, p.Gln749Arg (NM_015384.5); short protein forms Q749R.
Identifiers: ClinVar variation 3609598 (VCV003609598.2).

ClinVar aggregate classification (germline): Uncertain significance (1 of 4 stars; one submission).

Conditions:
Cornelia de Lange syndrome 1 (CDLS1). Also called: Brachmann de Lange syndrome; TYPUS DEGENERATIVUS AMSTELODAMENSIS; NIPBL-Related Cornelia de Lange Syndrome. Identifiers: Orphanet 199, MedGen C4551851, MONDO:0007387, OMIM 122470.

gnomAD v4.1: 1 of 1,613,652 alleles (0.000062%); highest among the groups gnomAD compares: African/African-American, 0.0013%; no homozygotes.

Submission:

Labcorp Genetics (formerly Invitae), Labcorp
Classification: Uncertain significance for Cornelia de Lange syndrome 1. Last evaluated: 2024-08-19. Review status: criteria provided, single submitter. Criteria: Invitae Variant Classification Sherloc (09022015). Collection method: clinical testing. Allele origin: germline.
Comment: This sequence change replaces glutamine, which is neutral and polar, with arginine, which is basic and polar, at codon 749 of the NIPBL protein (p.Gln749Arg). This variant is not present in population databases (gnomAD no frequency). This variant has not been reported in the literature in individuals affected with NIPBL-related conditions. Invitae Evidence Modeling of protein sequence and biophysical properties (such as structural, functional, and spatial information, amino acid conservation, physicochemical variation, residue mobility, and thermodynamic stability) indicates that this missense variant is not expected to disrupt NIPBL protein function with a negative predictive value of 95%. In summary, the available evidence is currently insufficient to determine the role of this variant in disease. Therefore, it has been classified as a Variant of Uncertain Significance.